The following is an entry in ClinVar:

NM_170606.3(KMT2C):c.14068C>T (p.Arg4690Ter)

Gene: KMT2C (lysine methyltransferase 2C; minus strand). Cytogenetic location: 7q36.1.
Variant type: single nucleotide variant.
Coding change: c.14068C>T on transcript NM_170606.3 (MANE Select); coding-DNA position 14068, C replaced by T.
Protein change: p.Arg4690Ter; replaces arginine 4690 with a stop codon.
Molecular consequence: nonsense.
Genome position (GRCh38, 1-based): chr7:152,145,259, G>A on the plus strand (C>T on the coding strand, the complement: KMT2C is on the minus strand). VCF-style: chr7-152145259-G-A. GRCh37 (hg19) VCF-style: chr7-151842344-G-A.
Other names: c.14068C>T (NM_170606.2); short protein forms R4690*.
Identifiers: ClinVar variation 3234082 (VCV003234082.3), dbSNP rs749571160, ClinGen allele CA4578504.

ClinVar aggregate classification (germline): Pathogenic/Likely pathogenic. Review status: criteria provided, multiple submitters, no conflicts (2 of 4 stars). 3 submissions from 3 submitters: Pathogenic (1); Likely pathogenic (1). 1 of the submissions does not count toward it. Last evaluated 2023-05-26.

Conditions:
Kleefstra syndrome 2 (KLEFS2). Identifiers: MedGen C4540395, MONDO:0054701, OMIM 617768.
KMT2C-related disorder. Also called: KMT2C-related disorders; KMT2C-related condition.

Allele frequency attached by ClinVar (database versions not stated): ExAC 0.00001.

Submissions (3):

Laboratoire Génétique Moléculaire, CHRU TOURS
Classification: Pathogenic for Kleefstra syndrome 2. Last evaluated: 2023-05-26. Review status: criteria provided, single submitter. Criteria: ACMG Guidelines, 2015. Collection method: clinical testing. Allele origin: maternal. Affected: yes.
Comment: PVS1;PM2;PP4

MVZ Medizinische Genetik Mainz
Classification: Likely pathogenic for Kleefstra syndrome 2. Last evaluated: 2022-03-31. Review status: criteria provided, single submitter. Criteria: UK Practice Guidelines For Variant Classification V4 01 2020. Collection method: clinical testing. Allele origin: germline. Inheritance: Autosomal dominant inheritance. Affected: yes. Observed: 1 variant allele.
Comment: ACMG Criteria: PVS1, PM2_SUP (ACMG Version 3)

PreventionGenetics, part of Exact Sciences
Classification: Likely pathogenic for KMT2C-related condition. Last evaluated: 2024-04-08. Review status: no assertion criteria provided. Collection method: clinical testing. Allele origin: germline. Not counted in ClinVar's aggregate classification.
Comment: The KMT2C c.14068C>T variant is predicted to result in premature protein termination (p.Arg4690*). To our knowledge, this variant has not been reported in the literature or in a large population database, indicating this variant is rare. Nonsense variants in KMT2C are expected to be pathogenic. This variant is interpreted as likely pathogenic.